The following is an entry in ClinVar:

ClinVar aggregate classification (germline): Uncertain significance (1 of 4 stars; one submission).

Allele frequency attached by ClinVar (database versions not stated): TOPMed below 0.00001.

Submission:

GeneDx
Classification: Uncertain significance. Last evaluated: 2021-04-08. Review status: criteria provided, single submitter. Criteria: GeneDx Variant Classification Process June 2021. Collection method: clinical testing. Allele origin: germline. Affected: yes.
Comment: Not observed in large population cohorts (Lek et al., 2016); In-frame insertion of 2 amino acids in a non-repeat region; Has not been previously published as pathogenic or benign to our knowledge

NM_001256071.3(RNF213):c.13173_13178dup (p.Thr4393_Pro4394dup)

Genes: RNF213 (ring finger protein 213; plus strand), RNF213-AS1 (RNF213 antisense RNA 1; minus strand). Cytogenetic location: 17q25.3.
Variant type: Duplication.
Coding change: c.13173_13178dup on transcript NM_001256071.3 (MANE Select); coding-DNA positions 13173 to 13178, 6 bases duplicated (CCCCAC; older notation c.13173_13178dupCCCCAC).
Protein change: p.Thr4393_Pro4394dup.
Molecular consequence: inframe insertion.
Genome position (GRCh38, 1-based): chr17:80,375,858-80,375,863, CCCCAC duplicated. VCF-style (leftmost placement, unchanged base first): chr17-80375857-A-ACCCCAC. GRCh37 (hg19) VCF-style: chr17-78349657-A-ACCCCAC.
Identifiers: ClinVar variation 1315768 (VCV001315768.2), dbSNP rs2079734111, ClinGen allele CA2277948019.